The following is an entry in ClinVar:

NM_002226.5(JAG2):c.463dup (p.Thr155fs)

Gene: JAG2 (jagged canonical Notch ligand 2; minus strand). Cytogenetic location: 14q32.33.
Variant type: Duplication.
Coding change: c.463dup on transcript NM_002226.5 (MANE Select); coding-DNA position 463, one base duplicated (A; older notation c.463dupA).
Protein change: p.Thr155fs; shifts the reading frame from threonine 155.
Molecular consequence: frameshift variant.
Genome position (GRCh38, 1-based): chr14:105,157,718, T duplicated on the plus strand (A on the coding strand, the reverse complement: JAG2 is on the minus strand). VCF-style (leftmost placement, unchanged base first): chr14-105157717-G-GT. GRCh37 (hg19) VCF-style: chr14-105624054-G-GT.
Other names: c.463dup, p.Thr155fs (NM_145159.3); short protein forms T155fs.
Identifiers: ClinVar variation 3253177 (VCV003253177.1), dbSNP rs2542894919.
Genomic context (GRCh38, chr14:105,157,717, plus strand): 5'-GGCACGCTGAAGCTGAGAGGAGCTGCCACCTGGCCCAGGGCTCACTCACCATTCGGGGTG[G>GT]TATCGTTGTCCCAGTCCCAGGCCTCCACGATGAGGGTAAAGGAGCGCTGCAGACATGGGG-3'

ClinVar aggregate classification (germline): Uncertain significance (1 of 4 stars; one submission).

Submission:

GeneDx
Classification: Uncertain significance. Last evaluated: 2023-06-08. Review status: criteria provided, single submitter. Criteria: GeneDx Variant Classification Process June 2021. Collection method: clinical testing. Allele origin: germline. Affected: yes.
Comment: Not observed at significant frequency in large population cohorts (gnomAD); Frameshift variant predicted to result in protein truncation or nonsense mediated decay in a gene or region of a gene for which loss of function is not a well-established mechanism of disease; Has not been previously published as pathogenic or benign to our knowledge